The following is an entry in ClinVar:

ClinVar aggregate classification (germline): Uncertain significance. Review status: criteria provided, multiple submitters, no conflicts (2 of 4 stars). 3 submissions from 3 submitters: Uncertain significance (3). Last evaluated 2025-10-11.

Submissions (3):

Labcorp Genetics (formerly Invitae), Labcorp
Classification: Uncertain significance. Last evaluated: 2025-10-11. Review status: criteria provided, single submitter. Criteria: Invitae Variant Classification Sherloc (09022015). Collection method: clinical testing. Allele origin: germline.
Comment: This sequence change creates a premature translational stop signal (p.Leu469Phefs*17) in the POLE2 gene. It is expected to result in an absent or disrupted protein product. However, the current clinical and genetic evidence is not sufficient to establish whether loss-of-function variants in POLE2 cause disease. This variant is present in population databases (rs776517397, gnomAD 0.03%). This premature translational stop signal has been observed in individual(s) with colorectal cancer (PMID: 25529843, 27329137). This variant is also known as c.1328_1329insT (p.Leu443Phefs*17). ClinVar contains an entry for this variant (Variation ID: 1486945). In summary, the available evidence is currently insufficient to determine the role of this variant in disease. Therefore, it has been classified as a Variant of Uncertain Significance.

Blueprint Genetics
Classification: Uncertain significance. Last evaluated: 2024-06-06. Review status: criteria provided, single submitter. Criteria: ACMG Guidelines, 2015. Collection method: clinical testing. Allele origin: germline.

Breakthrough Genomics
Classification: Uncertain significance. Review status: criteria provided, single submitter. Criteria: ACMG Guidelines, 2015. Collection method: not provided. Allele origin: germline. Inheritance: Unknown mechanism. Affected: yes.

Literature cited by the submitters: PubMed 25529843 (cited by Labcorp Genetics (formerly Invitae), Labcorp); PubMed 27329137 (cited by Labcorp Genetics (formerly Invitae), Labcorp).

NM_002692.4(POLE2):c.1406dup (p.Leu469fs)

Gene: POLE2 (DNA polymerase epsilon 2, accessory subunit; minus strand). Cytogenetic location: 14q21.3.
Variant type: Duplication.
Coding change: c.1406dup on transcript NM_002692.4 (MANE Select); coding-DNA position 1406, one base duplicated (T; older notation c.1406dupT).
Protein change: p.Leu469fs; shifts the reading frame from leucine 469.
Molecular consequence: frameshift variant.
Genome position (GRCh38, 1-based): chr14:49,650,356, A duplicated on the plus strand (T on the coding strand, the reverse complement: POLE2 is on the minus strand); the first of 3 consecutive A bases (chr14:49,650,356-49,650,358); duplicating any one gives the same sequence. VCF-style (leftmost placement, unchanged base first): chr14-49650355-C-CA. GRCh37 (hg19) VCF-style: chr14-50117073-C-CA.
Other names: c.1328dup, p.Leu443fs (NM_001197330.2); c.1406dup, p.Leu469fs (NM_001197331.3); c.1403dup, p.Leu468fs (NM_001348384.2); c.1175dup, p.Leu392fs (NM_001348385.2); short protein forms L468fs, L469fs, L392fs, L443fs.
Identifiers: ClinVar variation 1486945 (VCV001486945.8), dbSNP rs776517397, ClinGen allele CA7173279.